The following is an entry in ClinVar:

NM_000256.3(MYBPC3):c.1459C>A (p.Leu487Met)

Gene: MYBPC3 (myosin binding protein C3; minus strand). Cytogenetic location: 11p11.2.
Variant type: single nucleotide variant.
Coding change: c.1459C>A on transcript NM_000256.3 (MANE Select); coding-DNA position 1459, C replaced by A.
Protein change: p.Leu487Met; replaces leucine 487 with methionine.
Molecular consequence: missense variant.
Genome position (GRCh38, 1-based): chr11:47,342,743, G>T on the plus strand (C>A on the coding strand, the complement: MYBPC3 is on the minus strand). VCF-style: chr11-47342743-G-T. GRCh37 (hg19) VCF-style: chr11-47364294-G-T.
Other names: short protein forms L487M.
Identifiers: ClinVar variation 1423030 (VCV001423030.6), dbSNP rs771741441, ClinGen allele CA078122.

ClinVar aggregate classification (germline): Uncertain significance. Review status: criteria provided, multiple submitters, no conflicts (2 of 4 stars). 3 submissions from 3 submitters: Uncertain significance (3). Last evaluated 2023-12-07.

Conditions:
Cardiovascular phenotype. Identifiers: MedGen CN230736.
Hypertrophic cardiomyopathy. Also called: HYPERTROPHIC MYOCARDIOPATHY. Identifiers: Orphanet 217569, MedGen C0007194, MeSH D002312, MONDO:0005045, HP:0001639.

Allele frequency attached by ClinVar (database versions not stated): ExAC 0.00001; gnomAD exomes 0.00001.
gnomAD v4.1: 3 of 1,613,912 alleles (0.00019%); highest among the groups gnomAD compares: South Asian, 0.0033%; no homozygotes.

Submissions (3):

All of Us Research Program, National Institutes of Health
Classification: Uncertain significance for Hypertrophic cardiomyopathy. Last evaluated: 2023-12-07. Review status: criteria provided, single submitter. Criteria: ACMG Guidelines, 2015. Collection method: clinical testing. Allele origin: germline. Inheritance: Autosomal dominant inheritance. Observed: 1 variant allele, 1 heterozygote.
Comment: This study involves interpretation of variants in research participants for the purpose of population health screening. Participant phenotype was not available at the time of variant classification. Additional details can be found in publication PMID: 35346344, PMCID: PMC8962531

Ambry Genetics
Classification: Uncertain significance for Cardiovascular phenotype. Last evaluated: 2023-06-28. Review status: criteria provided, single submitter. Criteria: Ambry Variant Classification Scheme 2023. Collection method: clinical testing. Allele origin: germline.

Labcorp Genetics (formerly Invitae), Labcorp
Classification: Uncertain significance for Hypertrophic cardiomyopathy. Last evaluated: 2021-10-26. Review status: criteria provided, single submitter. Criteria: Invitae Variant Classification Sherloc (09022015). Collection method: clinical testing. Allele origin: germline.
Comment: This sequence change replaces leucine with methionine at codon 487 of the MYBPC3 protein (p.Leu487Met). The leucine residue is moderately conserved and there is a small physicochemical difference between leucine and methionine. This variant is present in population databases (rs771741441, ExAC 0.006%). This variant has not been reported in the literature in individuals affected with MYBPC3-related conditions. Algorithms developed to predict the effect of missense changes on protein structure and function are either unavailable or do not agree on the potential impact of this missense change (SIFT: "Tolerated"; PolyPhen-2: "Possibly Damaging"; Align-GVGD: "Class C0"). In summary, the available evidence is currently insufficient to determine the role of this variant in disease. Therefore, it has been classified as a Variant of Uncertain Significance.